The following is an entry in ClinVar:

ClinVar aggregate classification (germline): Likely pathogenic (1 of 4 stars; one submission).

Conditions:
Mucopolysaccharidosis, MPS-IV-B (MPS4B). Also called: MORQUIO SYNDROME B; Mucopolysaccharidosis type 4B; Mucopolysaccharidosis type IVB (Morquio); MPS IVB; Mucopolysaccharidosis type IV B; Mucopolysaccharidosis Type IVB. Identifiers: Orphanet 309310, Orphanet 582, MedGen C0086652, MONDO:0009660, OMIM 253010.

gnomAD v4.1: 1 of 1,613,714 alleles (0.000062%); highest among the groups gnomAD compares: South Asian, 0.0011%; no homozygotes.

Submission:

Natera, Inc.
Classification: Likely pathogenic for Mucopolysaccharidosis, MPS-IV-B. Last evaluated: 2024-04-02. Review status: criteria provided, single submitter. Criteria: Natera Variant Classification Schema (03/2026). Collection method: clinical testing. Allele origin: germline.
Comment: The c.1480-1G>A variant in GLB1 is a canonical splice acceptor site variant predicted to affect pre-mRNA splicing, which may result in an abnormal transcript and altered protein product. This variant is expected to result in nonsense mediated decay, truncation, or a dysfunctional protein product. This variant is rare in the general population with a frequency below the threshold expected for the associated phenotype(s). This variant has been observed in one or more individuals affected with the associated recessive disease, as either homozygous or compound heterozygous with a second variant (PMID: 31776384). Given the available evidence, this variant is classified as Likely Pathogenic.

Literature cited by the submitters: PubMed 31776384.

NM_000404.4(GLB1):c.1480-1G>A

Gene: GLB1 (galactosidase beta 1; minus strand). Cytogenetic location: 3p22.3.
Variant type: single nucleotide variant.
Coding change: c.1480-1G>A on transcript NM_000404.4 (MANE Select); the canonical splice acceptor site of the intron before coding-DNA position 1480, G replaced by A.
Molecular consequence: splice acceptor variant.
Genome position (GRCh38, 1-based): chr3:33,014,311, C>T on the plus strand (G>A on the coding strand, the complement: GLB1 is on the minus strand). VCF-style: chr3-33014311-C-T. GRCh37 (hg19) VCF-style: chr3-33055803-C-T.
Other names: c.1480-1G>A (NM_001393580.1); c.1087-1G>A (NM_001135602.3); c.1624-1G>A (NM_001317040.2); c.1390-1G>A (NM_001079811.3).
Identifiers: ClinVar variation 4818314 (VCV004818314.1).